The following is an entry in ClinVar:

ClinVar aggregate classification (germline): Likely pathogenic (1 of 4 stars; one submission).

Conditions:
Intellectual disability-severe speech delay-mild dysmorphism syndrome (IDDLA). Also called: Intellectual developmental disorder with language impairment AND with or without autistic features; FOXP1 Syndrome; Mental retardation with language impairment and autistic features. Identifiers: Orphanet 391372, MedGen C4013764, MONDO:0013352, OMIM 613670.

Submission:

Pittsburgh Clinical Genomics Laboratory, University of Pittsburgh Medical Center
Classification: Likely pathogenic for Intellectual disability-severe speech delay-mild dysmorphism syndrome. Last evaluated: 2023-06-12. Review status: criteria provided, single submitter. Criteria: ACMG Guidelines, 2015. Collection method: clinical testing. Allele origin: germline. Inheritance: Autosomal dominant inheritance. Affected: yes.
Comment: This sequence variant is a single nucleotide deletion (delT) in exon 18 of 21 of the FOXP1 gene and results in an early termition codon 11 amino acids downstream of the frameshift at Asn516. This variant is predicted to generate a non-functiol allele through either the expression of a truncated protein or a loss of FOXP1 expression due to nonsense mediated decay. This is a novel variant that is absent from ClinVar and has not been observed in the literature in individuals with FOXP1-related disorders, to our knowledge. This variant is absent from the gnomAD population database (0/~250,000 alleles). Haploinsufficiency in FOXP1 is a known mechanism of disease. Based upon the evidence, we consider this variant to be likely pathogenic. ACMG Criteria: PM2, PVS1

NM_001349338.3(FOXP1):c.1547del (p.Asn516fs)

Gene: FOXP1 (forkhead box P1; minus strand). Cytogenetic location: 3p13.
Variant type: Deletion.
Coding change: c.1547del on transcript NM_001349338.3 (MANE Select); coding-DNA position 1547, one base deleted (A; older notation c.1547delA).
Protein change: p.Asn516fs; shifts the reading frame from asparagine 516.
Molecular consequence: frameshift variant. On other transcripts: non-coding transcript variant (2), intron variant (1).
Genome position (GRCh38, 1-based): chr3:70,972,660, T deleted on the plus strand (A on the coding strand, the reverse complement: FOXP1 is on the minus strand); the first of 2 consecutive T bases (chr3:70,972,660-70,972,661); deleting either gives the same sequence. VCF-style (leftmost placement, unchanged base first): chr3-70972659-AT-A. GRCh37 (hg19) VCF-style: chr3-71021810-AT-A.
Other names: c.1544del, p.Asn515fs (NM_001244808.3, NM_001349341.3); c.1319del, p.Asn440fs (NM_001244812.3); c.1247del, p.Asn416fs (NM_001244813.3, NM_001244815.2, NM_001349342.3); c.1547del, p.Asn516fs (NM_001244814.3, NM_001244816.2, NM_001349340.3 and 1 more transcripts); c.1244del, p.Asn415fs (NM_001349337.2, NM_001349343.3, NM_001349344.3 and 1 more transcripts); c.1531-480del (NM_001244810.2); short protein forms N415fs, N416fs, N440fs, N515fs, N516fs.
Identifiers: ClinVar variation 3376315 (VCV003376315.1).
Genomic context (GRCh38, chr3:70,972,659, plus strand): 5'-CACTGTCCATACTGCCCCTTTAACGTTTTCTACTCGCACAAAACACTTGTGAAGACTAAG[AT>A]TATGACGCACTGCATTCTGCAGCAAGTATAAAAGAGAGAACATTTACATTTTCTATAAGA-3'